The following is an entry in ClinVar:

NM_024884.3(L2HGDH):c.1174A>G (p.Ile392Val)

Gene: L2HGDH (L-2-hydroxyglutarate dehydrogenase; minus strand). Cytogenetic location: 14q21.3.
Variant type: single nucleotide variant.
Coding change: c.1174A>G on transcript NM_024884.3 (MANE Select); coding-DNA position 1174, A replaced by G.
Protein change: p.Ile392Val; replaces isoleucine 392 with valine.
Molecular consequence: missense variant.
Genome position (GRCh38, 1-based): chr14:50,265,380, T>C on the plus strand (A>G on the coding strand, the complement: L2HGDH is on the minus strand). VCF-style: chr14-50265380-T-C. GRCh37 (hg19) VCF-style: chr14-50732098-T-C.
Other names: short protein forms I392V.
Identifiers: ClinVar variation 435698 (VCV000435698.16), dbSNP rs373172891, ClinGen allele CA7177787.
Genomic context (GRCh38, chr14:50,265,380, plus strand): 5'-TCAGGACTGTATTTACACTCCTTATCCCTTTTCCTTACCTAAGTATATCACTGATAGTAA[T>C]TTCAGGGATGAATTTTTGAAGATACTTCACTGTTGCACCAAGAAAACATGCTTTATACAT-3'
Protein context (NP_079160.1, residues 382-402): VKYLQKFIPE[Ile392Val]TISDILRGPA

ClinVar aggregate classification (germline): Conflicting classifications of pathogenicity. Review status: criteria provided, conflicting classifications (1 of 4 stars). 3 submissions from 3 submitters: Uncertain significance (1); Likely benign (1). 1 of the submissions does not count toward it. Last evaluated 2026-01-18.

Conditions:
L-2-hydroxyglutaric aciduria (L2HGA). Identifiers: Orphanet 79314, MedGen C1855995, MONDO:0009370, OMIM 236792, HP:0040144.
L2HGDH-related disorder. Also called: L2HGDH-related condition.

Allele frequency attached by ClinVar (database versions not stated): gnomAD 0.00009 and 0.00017; TOPMed 0.00011; gnomAD exomes 0.00021 and 0.00028; ExAC 0.00030; 1000 Genomes Project 30x 0.00031; 1000 Genomes Project 0.00040.
gnomAD v4.1: 331 of 1,611,802 alleles (0.021%); highest among the groups gnomAD compares: East Asian, 0.72%; 7 homozygotes.

Submissions (3):

Labcorp Genetics (formerly Invitae), Labcorp
Classification: Likely benign for L-2-hydroxyglutaric aciduria. Last evaluated: 2026-01-18. Review status: criteria provided, single submitter. Criteria: Invitae Variant Classification Sherloc (09022015). Collection method: clinical testing. Allele origin: germline.

Genetic Services Laboratory, University of Chicago
Classification: Uncertain significance. Last evaluated: 2017-01-22. Review status: criteria provided, single submitter. Criteria: ACMG Guidelines, 2015. Collection method: clinical testing. Allele origin: germline. Affected: no.

PreventionGenetics, part of Exact Sciences
Classification: Likely benign for L2HGDH-related condition. Last evaluated: 2022-12-02. Review status: no assertion criteria provided. Collection method: clinical testing. Allele origin: germline. Not counted in ClinVar's aggregate classification.
Comment: This variant is classified as likely benign based on ACMG/AMP sequence variant interpretation guidelines (Richards et al. 2015 PMID: 25741868, with internal and published modifications).